The following is an entry in ClinVar:

ClinVar aggregate classification (germline): Uncertain significance. Review status: criteria provided, multiple submitters, no conflicts (2 of 4 stars). 2 submissions from 2 submitters: Uncertain significance (2). Last evaluated 2025-07-03.

Conditions:
Charcot-Marie-Tooth disease dominant intermediate B (CMTDIB). Also called: Charcot-Marie-Tooth disease dominant intermediate 1; CMT DI1; Charcot-Marie-Tooth disease dominant intermediate I; CHARCOT-MARIE-TOOTH NEUROPATHY, DOMINANT INTERMEDIATE B. Identifiers: Orphanet 100044, Orphanet 228179, MedGen C1847902, MONDO:0011674, OMIM 606482.

Allele frequency attached by ClinVar (database versions not stated): gnomAD exomes 0.00001; TOPMed 0.00001; ExAC 0.00002.
gnomAD v4.1: 18 of 1,612,780 alleles (0.0011%); highest among the groups gnomAD compares: Non-Finnish European, 0.0014%; no homozygotes.

Submissions (2):

Labcorp Genetics (formerly Invitae), Labcorp
Classification: Uncertain significance for Charcot-Marie-Tooth disease dominant intermediate B. Last evaluated: 2025-07-03. Review status: criteria provided, single submitter. Criteria: Invitae Variant Classification Sherloc (09022015). Collection method: clinical testing. Allele origin: germline.
Comment: This sequence change replaces proline, which is neutral and non-polar, with serine, which is neutral and polar, at codon 791 of the DNM2 protein (p.Pro791Ser). This variant is present in population databases (rs758644162, gnomAD 0.003%). This variant has not been reported in the literature in individuals affected with DNM2-related conditions. ClinVar contains an entry for this variant (Variation ID: 1418857). Invitae Evidence Modeling of protein sequence and biophysical properties (such as structural, functional, and spatial information, amino acid conservation, physicochemical variation, residue mobility, and thermodynamic stability) indicates that this missense variant is not expected to disrupt DNM2 protein function with a negative predictive value of 95%. In summary, the available evidence is currently insufficient to determine the role of this variant in disease. Therefore, it has been classified as a Variant of Uncertain Significance.

Revvity Omics, Revvity
Classification: Uncertain significance. Last evaluated: 2021-02-18. Review status: criteria provided, single submitter. Criteria: ACMG Guidelines, 2015. Collection method: clinical testing. Allele origin: germline.

NM_001005361.3(DNM2):c.2371C>T (p.Pro791Ser)

Gene: DNM2 (dynamin 2; plus strand). Cytogenetic location: 19p13.2.
Variant type: single nucleotide variant.
Coding change: c.2371C>T on transcript NM_001005361.3 (MANE Select); coding-DNA position 2371, C replaced by T.
Protein change: p.Pro791Ser; replaces proline 791 with serine.
Molecular consequence: missense variant.
Genome position (GRCh38, 1-based): chr19:10,830,206, C>T. VCF-style: chr19-10830206-C-T. GRCh37 (hg19) VCF-style: chr19-10940882-C-T.
Other names: c.2371C>T, p.Pro791Ser (NM_001005360.3, NM_001190716.2); c.2359C>T, p.Pro787Ser (NM_001005362.3, NM_004945.4); c.2371C>T (NM_001005360.2); short protein forms P787S, P791S.
Identifiers: ClinVar variation 1418857 (VCV001418857.8), dbSNP rs758644162, ClinGen allele CA9201602.